The following is an entry in ClinVar:

NM_025144.4(ALPK1):c.683C>T (p.Pro228Leu)

Gene: ALPK1 (alpha kinase 1; plus strand). Cytogenetic location: 4q25.
Variant type: single nucleotide variant.
Coding change: c.683C>T on transcript NM_025144.4 (MANE Select); coding-DNA position 683, C replaced by T.
Protein change: p.Pro228Leu; replaces proline 228 with leucine.
Molecular consequence: missense variant.
Genome position (GRCh38, 1-based): chr4:112,426,527, C>T. VCF-style: chr4-112426527-C-T. GRCh37 (hg19) VCF-style: chr4-113347683-C-T.
Other names: c.683C>T, p.Pro228Leu (NM_001102406.2); c.449C>T, p.Pro150Leu (NM_001253884.2); short protein forms P150L, P228L.
Identifiers: ClinVar variation 4741078 (VCV004741078.1).

ClinVar aggregate classification (germline): Uncertain significance (1 of 4 stars; one submission).

Submission:

Labcorp Genetics (formerly Invitae), Labcorp
Classification: Uncertain significance. Last evaluated: 2025-08-29. Review status: criteria provided, single submitter. Criteria: Invitae Variant Classification Sherloc (09022015). Collection method: clinical testing. Allele origin: germline.
Comment: This sequence change replaces proline, which is neutral and non-polar, with leucine, which is neutral and non-polar, at codon 228 of the ALPK1 protein (p.Pro228Leu). This variant is not present in population databases (gnomAD no frequency). This variant has not been reported in the literature in individuals affected with ALPK1-related conditions. Invitae Evidence Modeling of protein sequence and biophysical properties (such as structural, functional, and spatial information, amino acid conservation, physicochemical variation, residue mobility, and thermodynamic stability) indicates that this missense variant is expected to disrupt ALPK1 protein function with a positive predictive value of 80%. In summary, the available evidence is currently insufficient to determine the role of this variant in disease. Therefore, it has been classified as a Variant of Uncertain Significance.